The following is an entry in ClinVar:

ClinVar aggregate classification (germline): Uncertain significance (1 of 4 stars; one submission).

Allele frequency attached by ClinVar (database versions not stated): gnomAD exomes below 0.00001; gnomAD 0.00001; TOPMed 0.00001.
gnomAD v4.1: 3 of 1,577,082 alleles (0.00019%); highest among the groups gnomAD compares: African/African-American, 0.0041%; no homozygotes.

Submission:

Labcorp Genetics (formerly Invitae), Labcorp
Classification: Uncertain significance. Last evaluated: 2025-11-17. Review status: criteria provided, single submitter. Criteria: Invitae Variant Classification Sherloc (09022015). Collection method: clinical testing. Allele origin: germline.
Comment: This sequence change replaces glutamic acid, which is acidic and polar, with glycine, which is neutral and non-polar, at codon 301 of the ROBO1 protein (p.Glu301Gly). This variant is present in population databases (no rsID available, gnomAD 0.007%). This variant has not been reported in the literature in individuals affected with ROBO1-related conditions. ClinVar contains an entry for this variant (Variation ID: 1351245). Invitae Evidence Modeling of protein sequence and biophysical properties (such as structural, functional, and spatial information, amino acid conservation, physicochemical variation, residue mobility, and thermodynamic stability) indicates that this missense variant is not expected to disrupt ROBO1 protein function with a negative predictive value of 95%. In summary, the available evidence is currently insufficient to determine the role of this variant in disease. Therefore, it has been classified as a Variant of Uncertain Significance.

NM_002941.4(ROBO1):c.902A>G (p.Glu301Gly)

Gene: ROBO1 (roundabout guidance receptor 1; minus strand). Cytogenetic location: 3p12.3.
Variant type: single nucleotide variant.
Coding change: c.902A>G on transcript NM_002941.4 (MANE Select); coding-DNA position 902, A replaced by G.
Protein change: p.Glu301Gly; replaces glutamic acid 301 with glycine.
Molecular consequence: missense variant.
Genome position (GRCh38, 1-based): chr3:78,717,290, T>C on the plus strand (A>G on the coding strand, the complement: ROBO1 is on the minus strand). VCF-style: chr3-78717290-T-C. GRCh37 (hg19) VCF-style: chr3-78766440-T-C.
Other names: c.785A>G, p.Glu262Gly (NM_001145845.2, NM_133631.4); short protein forms E262G, E301G.
Identifiers: ClinVar variation 1351245 (VCV001351245.6), dbSNP rs1376246625, ClinGen allele CA353663323.